The following is an entry in ClinVar:

ClinVar aggregate classification (germline): Uncertain significance. Review status: criteria provided, multiple submitters, no conflicts (2 of 4 stars). 2 submissions from 2 submitters: Uncertain significance (2). Last evaluated 2025-09-15.

Submissions (2):

GeneDx
Classification: Uncertain significance. Last evaluated: 2025-09-15. Review status: criteria provided, single submitter. Criteria: GeneDx Variant Classification Process June 2021. Collection method: clinical testing. Allele origin: germline. Affected: yes.
Comment: Not observed at significant frequency in large population cohorts (gnomAD); Canonical splice site variant in a gene or region of a gene for which loss of function is not a well-established mechanism of disease; Has not been previously published as pathogenic or benign to our knowledge

Labcorp Genetics (formerly Invitae), Labcorp
Classification: Uncertain significance. Last evaluated: 2022-09-26. Review status: criteria provided, single submitter. Criteria: Invitae Variant Classification Sherloc (09022015). Collection method: clinical testing. Allele origin: germline.
Comment: In summary, the available evidence is currently insufficient to determine the role of this variant in disease. Therefore, it has been classified as a Variant of Uncertain Significance. Algorithms developed to predict the effect of sequence changes on RNA splicing suggest that this variant may disrupt the consensus splice site. This variant has not been reported in the literature in individuals affected with CAMK2B-related conditions. This variant is not present in population databases (gnomAD no frequency). This sequence change affects a donor splice site in intron 14 of the CAMK2B gene. It is expected to disrupt RNA splicing. Variants that disrupt the donor or acceptor splice site typically lead to a loss of protein function (PMID: 16199547), however the current clinical and genetic evidence is not sufficient to establish whether loss-of-function variants in CAMK2B cause disease.

Literature cited by the submitters: PubMed 16199547 (cited by Labcorp Genetics (formerly Invitae), Labcorp).

NM_001220.5(CAMK2B):c.1059+1G>A

Gene: CAMK2B (calcium/calmodulin dependent protein kinase II beta; minus strand). Cytogenetic location: 7p13.
Variant type: single nucleotide variant.
Coding change: c.1059+1G>A on transcript NM_001220.5 (MANE Select); the canonical splice donor site of the intron after coding-DNA position 1059, G replaced by A.
Molecular consequence: splice donor variant. On other transcripts: intron variant (1).
Genome position (GRCh38, 1-based): chr7:44,234,638, C>T on the plus strand (G>A on the coding strand, the complement: CAMK2B is on the minus strand). VCF-style: chr7-44234638-C-T. GRCh37 (hg19) VCF-style: chr7-44274237-C-T.
Other names: c.946+6069G>A (NM_172084.3); c.984+1G>A (NM_172080.3); c.987+1G>A (NM_172083.3, NM_172081.3, NM_172079.3); c.1059+1G>A (NM_172082.3, NM_001293170.2, NM_172078.3).
Identifiers: ClinVar variation 1700429 (VCV001700429.8), dbSNP rs2128934798, ClinGen allele CA367377355.